The following is an entry in ClinVar:

NM_024782.3(NHEJ1):c.390+18G>A

Gene: NHEJ1 (non-homologous end joining factor 1; minus strand). Cytogenetic location: 2q35.
Variant type: single nucleotide variant.
Coding change: c.390+18G>A on transcript NM_024782.3 (MANE Select); 18 bases into the intron after coding-DNA position 390, G replaced by A.
Molecular consequence: intron variant.
Genome position (GRCh38, 1-based): chr2:219,157,454, C>T on the plus strand (G>A on the coding strand, the complement: NHEJ1 is on the minus strand). VCF-style: chr2-219157454-C-T. GRCh37 (hg19) VCF-style: chr2-220022176-C-T.
Other names: c.390+18G>A (NM_001377499.1, NM_001377498.1).
Identifiers: ClinVar variation 1166056 (VCV001166056.16), dbSNP rs6436120, ClinGen allele CA2117016.

ClinVar aggregate classification (germline): Benign/Likely benign. Review status: criteria provided, multiple submitters, no conflicts (2 of 4 stars). 6 submissions from 6 submitters: Benign (5); Likely benign (1). Last evaluated 2026-02-04.

Conditions:
Cernunnos-XLF deficiency (IMD124). Also called: Severe combined immunodeficiency with sensitivity to ionizing radiation due to NHEJ1 deficiency; SCID, autosomal recessive, T cell-negative, B cell-negative, NK cell-positive, and sensitivity to ionizing radiation due to NHEJ1 deficiency; IMMUNODEFICIENCY 124, SEVERE COMBINED; SCID, AUTOSOMAL RECESSIVE, T CELL-NEGATIVE, B CELL-NEGATIVE, NK CELL-POSITIVE, WITH MICROCEPHALY, GROWTH RETARDATION, AND SENSITIVITY TO IONIZING RADIATION; NHEJ1 SYNDROME. Identifiers: Orphanet 169079, MedGen C1969799, MONDO:0012650, OMIM 611291.

Allele frequency attached by ClinVar (database versions not stated): 1000 Genomes Project 30x 0.89959; 1000 Genomes Project 0.90236; ESP Exome Variant Server 0.91635; TOPMed 0.92009; gnomAD 0.92539 and 0.92768; ExAC 0.96462; gnomAD exomes 0.97013 and 0.98718.

Submissions (6):

Labcorp Genetics (formerly Invitae), Labcorp
Classification: Benign for Cernunnos-XLF deficiency. Last evaluated: 2026-02-04. Review status: criteria provided, single submitter. Criteria: Invitae Variant Classification Sherloc (09022015). Collection method: clinical testing. Allele origin: germline.

Women's Health and Genetics/Laboratory Corporation of America, LabCorp
Classification: Benign. Last evaluated: 2026-01-21. Review status: criteria provided, single submitter. Criteria: LabCorp Variant Classification Summary - May 2015. Collection method: clinical testing. Allele origin: germline.

Blueprint Genetics
Classification: Likely benign. Last evaluated: 2024-11-26. Review status: criteria provided, single submitter. Criteria: ACMG Guidelines, 2015. Collection method: clinical testing. Allele origin: germline.

Unidad de Genómica Garrahan, Hospital de Pediatría Garrahan
Classification: Benign. Last evaluated: 2023-11-12. Review status: criteria provided, single submitter. Criteria: ACMG Guidelines, 2015. Collection method: clinical testing. Allele origin: germline. Affected: no. Observed: 96 variant alleles.
Comment: This variant is classified as Benign based on local population frequency. This variant was detected in 100% of patients studied by a panel of primary immunodeficiencies. Number of patients: 96. Only high quality variants are reported.

GeneDx
Classification: Benign. Last evaluated: 2015-03-03. Review status: criteria provided, single submitter. Criteria: GeneDx Variant Classification Process June 2021. Collection method: clinical testing. Allele origin: germline. Affected: yes.

Breakthrough Genomics
Classification: Benign. Review status: criteria provided, single submitter. Criteria: ACMG Guidelines, 2015. Collection method: not provided. Allele origin: germline. Inheritance: Unknown mechanism. Affected: yes.